The following is an entry in ClinVar:

NM_144508.5(KNL1):c.213G>A (p.Glu71=)

Gene: KNL1 (kinetochore scaffold 1; plus strand). Cytogenetic location: 15q15.1.
Variant type: single nucleotide variant.
Coding change: c.213G>A on transcript NM_144508.5 (MANE Select); coding-DNA position 213, G replaced by A.
Protein change: p.Glu71=; no amino-acid change (glutamic acid 71 retained).
Molecular consequence: synonymous variant.
Genome position (GRCh38, 1-based): chr15:40,610,260, G>A. VCF-style: chr15-40610260-G-A. GRCh37 (hg19) VCF-style: chr15-40902458-G-A.
Other names: c.213G>A, p.Glu71= (NM_170589.5).
Identifiers: ClinVar variation 3056738 (VCV003056738.2), dbSNP rs147655679, ClinGen allele CA7482426.

ClinVar aggregate classification (germline): Likely benign (0 of 4 stars; one submission).

Conditions:
KNL1-related disorder. Also called: KNL1-related condition.

Allele frequency attached by ClinVar (database versions not stated): gnomAD 0.00005; ExAC 0.00006; TOPMed 0.00006; gnomAD exomes 0.00009; 1000 Genomes Project 30x 0.00016; 1000 Genomes Project 0.00020.
gnomAD v4.1: 134 of 1,505,130 alleles (0.0089%); highest among the groups gnomAD compares: Non-Finnish European, 0.011%; no homozygotes.

Submission:

PreventionGenetics, part of Exact Sciences
Classification: Likely benign for KNL1-related condition. Last evaluated: 2019-05-01. Review status: no assertion criteria provided. Collection method: clinical testing. Allele origin: germline.
Comment: This variant is classified as likely benign based on ACMG/AMP sequence variant interpretation guidelines (Richards et al. 2015 PMID: 25741868, with internal and published modifications).